The following is an entry in ClinVar:

NM_014484.5(MOCS3):c.610A>T (p.Ser204Cys)

Gene: MOCS3 (molybdenum cofactor synthesis 3; plus strand). Cytogenetic location: 20q13.13.
Variant type: single nucleotide variant.
Coding change: c.610A>T on transcript NM_014484.5 (MANE Select); coding-DNA position 610, A replaced by T.
Protein change: p.Ser204Cys; replaces serine 204 with cysteine.
Molecular consequence: missense variant.
Genome position (GRCh38, 1-based): chr20:50,959,452, A>T. VCF-style: chr20-50959452-A-T. GRCh37 (hg19) VCF-style: chr20-49575989-A-T.
Other names: short protein forms S204C.
Identifiers: ClinVar variation 1383678 (VCV001383678.6), dbSNP rs1353196909, ClinGen allele CA408983567.
Genomic context (GRCh38, chr20:50,959,452, plus strand): 5'-CCCACTCGCTACCTGGTTAATGACGCATGTGTGCTGGCGGGTCGGCCCCTCGTGTCTGCC[A>T]GTGCCTTGCGCTTCGAGGGCCAAATCACAGTCTACCATTATGACGGTGGCCCTTGCTATC-3'
Protein context (NP_055299.1, residues 194-214): VLAGRPLVSA[Ser204Cys]ALRFEGQITV

ClinVar aggregate classification (germline): Uncertain significance (1 of 4 stars; one submission).

Allele frequency attached by ClinVar (database versions not stated): TOPMed below 0.00001; gnomAD 0.00001.

Submission:

Labcorp Genetics (formerly Invitae), Labcorp
Classification: Uncertain significance. Last evaluated: 2024-10-21. Review status: criteria provided, single submitter. Criteria: Invitae Variant Classification Sherloc (09022015). Collection method: clinical testing. Allele origin: germline.
Comment: This sequence change replaces serine, which is neutral and polar, with cysteine, which is neutral and slightly polar, at codon 204 of the MOCS3 protein (p.Ser204Cys). This variant is not present in population databases (gnomAD no frequency). This variant has not been reported in the literature in individuals affected with MOCS3-related conditions. ClinVar contains an entry for this variant (Variation ID: 1383678). An algorithm developed to predict the effect of missense changes on protein structure and function (PolyPhen-2) suggests that this variant is likely to be disruptive. In summary, the available evidence is currently insufficient to determine the role of this variant in disease. Therefore, it has been classified as a Variant of Uncertain Significance.